The following is an entry in ClinVar:

NM_152296.5(ATP1A3):c.2616C>A (p.Asn872Lys)

Gene: ATP1A3 (ATPase Na+/K+ transporting subunit alpha 3; minus strand). Cytogenetic location: 19q13.2.
Variant type: single nucleotide variant.
Coding change: c.2616C>A on transcript NM_152296.5 (MANE Select); coding-DNA position 2616, C replaced by A.
Protein change: p.Asn872Lys; replaces asparagine 872 with lysine.
Molecular consequence: missense variant.
Genome position (GRCh38, 1-based): chr19:41,969,507, G>T on the plus strand (C>A on the coding strand, the complement: ATP1A3 is on the minus strand). VCF-style: chr19-41969507-G-T. GRCh37 (hg19) VCF-style: chr19-42473659-G-T.
Other names: c.2616C>A (NM_152296.3); c.2649C>A, p.Asn883Lys (NM_001256213.2); c.2655C>A, p.Asn885Lys (NM_001256214.2); short protein forms N885K, N872K, N883K.
Identifiers: ClinVar variation 859827 (VCV000859827.10), dbSNP rs782057287, ClinGen allele CA9467335.

ClinVar aggregate classification (germline): Conflicting classifications of pathogenicity. Review status: criteria provided, conflicting classifications (1 of 4 stars). 3 submissions from 3 submitters: Uncertain significance (1); Likely benign (2). Last evaluated 2026-04-16.

Conditions:
Inborn genetic diseases. Identifiers: MedGen C0950123, MeSH D030342.
Dystonia 12 (DYT12). Also called: Rapid-Onset Dystonia-Parkinsonism (RDP); DYT-ATP1A3. Identifiers: Orphanet 71517, MedGen C1868681, MONDO:0007496, OMIM 128235.

Allele frequency attached by ClinVar (database versions not stated): TOPMed 0.00009; gnomAD 0.00009 and 0.00010.
gnomAD v4.1: 22 of 1,614,042 alleles (0.0014%); highest among the groups gnomAD compares: African/African-American, 0.02%; no homozygotes.

Submissions (3):

Ambry Genetics
Classification: Likely benign for Inborn genetic diseases. Last evaluated: 2026-04-16. Review status: criteria provided, single submitter. Criteria: Ambry Variant Classification Scheme 2023. Collection method: clinical testing. Allele origin: germline.

Labcorp Genetics (formerly Invitae), Labcorp
Classification: Uncertain significance for Dystonia 12. Last evaluated: 2025-11-12. Review status: criteria provided, single submitter. Criteria: Invitae Variant Classification Sherloc (09022015). Collection method: clinical testing. Allele origin: germline.
Comment: This sequence change replaces asparagine, which is neutral and polar, with lysine, which is basic and polar, at codon 872 of the ATP1A3 protein (p.Asn872Lys). This variant is present in population databases (rs782057287, gnomAD 0.03%). This variant has not been reported in the literature in individuals affected with ATP1A3-related conditions. ClinVar contains an entry for this variant (Variation ID: 859827). Invitae Evidence Modeling of protein sequence and biophysical properties (such as structural, functional, and spatial information, amino acid conservation, physicochemical variation, residue mobility, and thermodynamic stability) indicates that this missense variant is not expected to disrupt ATP1A3 protein function with a negative predictive value of 95%. In summary, the available evidence is currently insufficient to determine the role of this variant in disease. Therefore, it has been classified as a Variant of Uncertain Significance.

GeneDx
Classification: Likely benign. Last evaluated: 2021-04-12. Review status: criteria provided, single submitter. Criteria: GeneDx Variant Classification Process June 2021. Collection method: clinical testing. Allele origin: germline. Affected: yes.